The following is an entry in ClinVar:

ClinVar aggregate classification (germline): Benign/Likely benign. Review status: criteria provided, multiple submitters, no conflicts (2 of 4 stars). 5 submissions from 5 submitters: Benign (2); Likely benign (1). 2 of the submissions do not count toward it. Last evaluated 2026-09-01.

Conditions:
CBLB-related disorder. Also called: CBLB-related condition.

Allele frequency attached by ClinVar (database versions not stated): 1000 Genomes Project 0.00379; 1000 Genomes Project 30x 0.00390; TOPMed 0.00463; gnomAD 0.00495; ESP Exome Variant Server 0.00515; ExAC 0.00600.
gnomAD v4.1: 10,535 of 1,614,136 alleles (0.65%); highest among the groups gnomAD compares: Middle Eastern, 1%; 68 homozygotes.

Submissions (5):

CeGaT Center for Human Genetics Tuebingen
Classification: Likely benign. Last evaluated: 2026-09-01. Review status: criteria provided, single submitter. Criteria: CeGaT Center For Human Genetics Tuebingen Variant Classification Criteria Version 2. Collection method: clinical testing. Allele origin: germline. Affected: yes. Observed: 3 variant alleles.
Comment: CBLB: BP4, BS2

Labcorp Genetics (formerly Invitae), Labcorp
Classification: Benign. Last evaluated: 2018-07-27. Review status: criteria provided, single submitter. Criteria: Invitae Variant Classification Sherloc (09022015). Collection method: clinical testing. Allele origin: germline.

Breakthrough Genomics
Classification: Benign. Review status: criteria provided, single submitter. Criteria: ACMG Guidelines, 2015. Collection method: not provided. Allele origin: germline. Inheritance: Unknown mechanism. Affected: yes.

PreventionGenetics, part of Exact Sciences
Classification: Likely benign for CBLB-related condition. Last evaluated: 2019-02-21. Review status: no assertion criteria provided. Collection method: clinical testing. Allele origin: germline. Not counted in ClinVar's aggregate classification.
Comment: This variant is classified as likely benign based on ACMG/AMP sequence variant interpretation guidelines (Richards et al. 2015 PMID: 25741868, with internal and published modifications).

ITMI
No classification provided. Condition: AllHighlyPenetrant. Last evaluated: 2013-09-19. Review status: no classification provided. Collection method: reference population. Allele origin: germline. Not counted in ClinVar's aggregate classification.
Comment: Please see associated publication for description of ethnicities

Literature cited by the submitters: PubMed 24728327 (cited by ITMI).

NM_170662.5(CBLB):c.1865G>C (p.Ser622Thr)

Gene: CBLB (Cbl proto-oncogene B; minus strand). Cytogenetic location: 3q13.11.
Variant type: single nucleotide variant.
Coding change: c.1865G>C on transcript NM_170662.5 (MANE Select); coding-DNA position 1865, G replaced by C.
Protein change: p.Ser622Thr; replaces serine 622 with threonine.
Molecular consequence: missense variant. On other transcripts: non-coding transcript variant (7).
Genome position (GRCh38, 1-based): chr3:105,702,188, C>G on the plus strand (G>C on the coding strand, the complement: CBLB is on the minus strand). VCF-style: chr3-105702188-C-G. GRCh37 (hg19) VCF-style: chr3-105421032-C-G.
Other names: c.1949G>C, p.Ser650Thr (NM_001321786.1, NM_001321789.1); c.1865G>C, p.Ser622Thr (NM_001321788.2, NM_001321791.2, NM_001321793.2 and 4 more transcripts); c.1931G>C, p.Ser644Thr (NM_001321790.2); c.1718G>C, p.Ser573Thr (NM_001321796.2, NM_001321799.2); c.1085G>C, p.Ser362Thr (NM_001321806.2, NM_001321807.2, NM_001321808.2 and 3 more transcripts); c.677G>C, p.Ser226Thr (NM_001321820.2); c.536G>C, p.Ser179Thr (NM_001321822.2); short protein forms S622T, S179T, S226T, S362T, S573T, S644T, S650T.
Identifiers: ClinVar variation 133823 (VCV000133823.29), dbSNP rs41302192, ClinGen allele CA157893.
Genomic context (GRCh38, chr3:105,702,188, plus strand): 5'-TGTTTCCGCATAAGCACTGGGTCAGAGCCCACTCTACTGTGCCTTCCATTGACATTTGAA[C>G]TCGCTGTGATTCCAGGTTTTGGAGAGCCCTCCCCTAGGAGTCGACATCCCACAAGCTGAT-3'
Protein context (NP_733762.2, residues 612-632): EGSPKPGITA[Ser622Thr]SNVNGRHSRV